The following is an entry in ClinVar:

NM_000552.5(VWF):c.8093A>C (p.Glu2698Ala)

Gene: VWF (von Willebrand factor; minus strand). Cytogenetic location: 12p13.31.
Variant type: single nucleotide variant.
Coding change: c.8093A>C on transcript NM_000552.5 (MANE Select); coding-DNA position 8093, A replaced by C.
Protein change: p.Glu2698Ala; replaces glutamic acid 2698 with alanine.
Molecular consequence: missense variant.
Genome position (GRCh38, 1-based): chr12:5,952,413, T>G on the plus strand (A>C on the coding strand, the complement: VWF is on the minus strand). VCF-style: chr12-5952413-T-G. GRCh37 (hg19) VCF-style: chr12-6061579-T-G.
Other names: short protein forms E2698A.
Identifiers: ClinVar variation 4685432 (VCV004685432.1).

ClinVar aggregate classification (germline): Uncertain significance (1 of 4 stars; one submission).

gnomAD v4.1: 2 of 1,614,058 alleles (0.00012%); highest among the groups gnomAD compares: Non-Finnish European, 0.00017%; no homozygotes.

Submission:

GeneDx
Classification: Uncertain significance. Last evaluated: 2025-07-10. Review status: criteria provided, single submitter. Criteria: GeneDx Variant Classification Process June 2021. Collection method: clinical testing. Allele origin: germline. Affected: yes.
Comment: Not observed at significant frequency in large population cohorts (gnomAD); In silico analysis suggests that this missense variant does not alter protein structure/function; Has not been previously published as pathogenic or benign to our knowledge